The following is an entry in ClinVar:

NM_005026.5(PIK3CD):c.458G>A (p.Arg153His)

Gene: PIK3CD (phosphatidylinositol-4,5-bisphosphate 3-kinase catalytic subunit delta; plus strand). Cytogenetic location: 1p36.22.
Variant type: single nucleotide variant.
Coding change: c.458G>A on transcript NM_005026.5 (MANE Select); coding-DNA position 458, G replaced by A.
Protein change: p.Arg153His; replaces arginine 153 with histidine.
Molecular consequence: missense variant.
Genome position (GRCh38, 1-based): chr1:9,715,936, G>A. VCF-style: chr1-9715936-G-A. GRCh37 (hg19) VCF-style: chr1-9775994-G-A.
Other names: c.458G>A, p.Arg153His (NM_001350234.2, NM_001350235.1, NM_001437546.1 and 3 more transcripts); short protein forms R153H.
Identifiers: ClinVar variation 4986624 (VCV004986624.1).
Genomic context (GRCh38, chr1:9,715,936, plus strand): 5'-ACCCAGAAGTGAACGACTTTCGCGCCAAGATGTGCCAATTCTGCGAGGAGGCGGCCGCCC[G>A]CCGGCAGCAGCTGGGCTGGGAGGCCTGGCTGCAGTACAGTTTCCCCCTGCAGCTGGAGCC-3'
Protein context (NP_005017.3, residues 143-163): MCQFCEEAAA[Arg153His]RQQLGWEAWL

ClinVar aggregate classification (germline): Uncertain significance (1 of 4 stars; one submission).

Conditions:
PIK3CD-related disorder. Also called: PIK3CD-related condition.

gnomAD v4.1: 15 of 1,611,954 alleles (0.00093%); highest among the groups gnomAD compares: African/African-American, 0.008%; no homozygotes.

Submission:

PreventionGenetics, part of Exact Sciences
Classification: Uncertain significance for PIK3CD-related condition. Last evaluated: 2026-08-06. Review status: criteria provided, single submitter. Criteria: ACMG Guidelines, 2015. Collection method: clinical testing. Allele origin: germline.
Comment: The PIK3CD c.458G>A variant is predicted to result in the amino acid substitution p.Arg153His. To our knowledge, this variant has not been reported in the literature. This variant is reported in 0.0019% of alleles in individuals of European (Non-Finnish) descent in gnomAD. At this time, the clinical significance of this variant is uncertain due to the absence of conclusive functional and genetic evidence.